The following is an entry in ClinVar:

NM_000355.4(TCN2):c.539T>C (p.Leu180Pro)

Gene: TCN2 (transcobalamin 2; plus strand). Cytogenetic location: 22q12.2.
Variant type: single nucleotide variant.
Coding change: c.539T>C on transcript NM_000355.4 (MANE Select); coding-DNA position 539, T replaced by C.
Protein change: p.Leu180Pro; replaces leucine 180 with proline.
Molecular consequence: missense variant.
Genome position (GRCh38, 1-based): chr22:30,614,460, T>C. VCF-style: chr22-30614460-T-C. GRCh37 (hg19) VCF-style: chr22-31010447-T-C.
Other names: c.458T>C, p.Leu153Pro (NM_001184726.2); c.539T>C (NM_000355.3); short protein forms L153P, L180P.
Identifiers: ClinVar variation 1053638 (VCV001053638.8), dbSNP rs142651651, ClinGen allele CA10184695.

ClinVar aggregate classification (germline): Uncertain significance. Review status: criteria provided, multiple submitters, no conflicts (2 of 4 stars). 2 submissions from 2 submitters: Uncertain significance (2). Last evaluated 2025-09-05.

Conditions:
Inborn genetic diseases. Identifiers: MedGen C0950123, MeSH D030342.
Transcobalamin II deficiency (TCN2D). Also called: Transcolabamin II deficiency; TC II DEFICIENCY; TCN2 DEFICIENCY. Identifiers: Orphanet 859, MedGen C0342701, MONDO:0010149, OMIM 275350.

Allele frequency attached by ClinVar (database versions not stated): gnomAD exomes 0.00004; ExAC 0.00006; 1000 Genomes Project 0.00020; gnomAD 0.00023 and 0.00026; TOPMed 0.00023; 1000 Genomes Project 30x 0.00031; ESP Exome Variant Server 0.00031.
gnomAD v4.1: 60 of 1,614,194 alleles (0.0037%); highest among the groups gnomAD compares: African/African-American, 0.072%; no homozygotes.

Submissions (2):

Ambry Genetics
Classification: Uncertain significance for Inborn genetic diseases. Last evaluated: 2025-09-05. Review status: criteria provided, single submitter. Criteria: Ambry Variant Classification Scheme 2023. Collection method: clinical testing. Allele origin: germline.

Labcorp Genetics (formerly Invitae), Labcorp
Classification: Uncertain significance for Transcobalamin II deficiency. Last evaluated: 2022-10-13. Review status: criteria provided, single submitter. Criteria: Invitae Variant Classification Sherloc (09022015). Collection method: clinical testing. Allele origin: germline.
Comment: This sequence change replaces leucine, which is neutral and non-polar, with proline, which is neutral and non-polar, at codon 180 of the TCN2 protein (p.Leu180Pro). This variant is present in population databases (rs142651651, gnomAD 0.07%). This variant has not been reported in the literature in individuals affected with TCN2-related conditions. ClinVar contains an entry for this variant (Variation ID: 1053638). Advanced modeling of protein sequence and biophysical properties (such as structural, functional, and spatial information, amino acid conservation, physicochemical variation, residue mobility, and thermodynamic stability) performed at Invitae indicates that this missense variant is expected to disrupt TCN2 protein function. In summary, the available evidence is currently insufficient to determine the role of this variant in disease. Therefore, it has been classified as a Variant of Uncertain Significance.